The following is an entry in ClinVar:

NM_003816.3(ADAM9):c.1235A>G (p.Tyr412Cys)

Gene: ADAM9 (ADAM metallopeptidase domain 9; plus strand). Cytogenetic location: 8p11.22.
Variant type: single nucleotide variant.
Coding change: c.1235A>G on transcript NM_003816.3 (MANE Select); coding-DNA position 1235, A replaced by G.
Protein change: p.Tyr412Cys; replaces tyrosine 412 with cysteine.
Molecular consequence: missense variant. On other transcripts: non-coding transcript variant (3).
Genome position (GRCh38, 1-based): chr8:39,042,050, A>G. VCF-style: chr8-39042050-A-G. GRCh37 (hg19) VCF-style: chr8-38899569-A-G.
Other names: c.1235A>G (NM_003816.2); short protein forms Y412C.
Identifiers: ClinVar variation 1352200 (VCV001352200.6), dbSNP rs773287430, ClinGen allele CA4721557.
Genomic context (GRCh38, chr8:39,042,050, plus strand): 5'-AGTTAACTTTAAATAAAGGAGGAAACTGCCTTCTTAATATTCCAAAGCCTGATGAAGCCT[A>G]TAGTGCTCCCTCCTGTGGTAATAAGTTGGTGGACGCTGGGGAAGAGTGTGACTGTGGTAC-3'
Protein context (NP_003807.1, residues 402-422): LLNIPKPDEA[Tyr412Cys]SAPSCGNKLV

ClinVar aggregate classification (germline): Uncertain significance. Review status: criteria provided, multiple submitters, no conflicts (2 of 4 stars). 2 submissions from 2 submitters: Uncertain significance (2). Last evaluated 2022-07-14.

Conditions:
Inborn genetic diseases. Identifiers: MedGen C0950123, MeSH D030342.

Allele frequency attached by ClinVar (database versions not stated): ExAC 0.00002; gnomAD 0.00001; TOPMed 0.00002; gnomAD exomes 0.00001.
gnomAD v4.1: 16 of 1,614,152 alleles (0.00099%); highest among the groups gnomAD compares: Non-Finnish European, 0.0013%; no homozygotes.

Submissions (2):

Labcorp Genetics (formerly Invitae), Labcorp
Classification: Uncertain significance. Last evaluated: 2022-07-14. Review status: criteria provided, single submitter. Criteria: Invitae Variant Classification Sherloc (09022015). Collection method: clinical testing. Allele origin: germline.
Comment: This sequence change replaces tyrosine, which is neutral and polar, with cysteine, which is neutral and slightly polar, at codon 412 of the ADAM9 protein (p.Tyr412Cys). This variant is present in population databases (rs773287430, gnomAD 0.004%). This variant has not been reported in the literature in individuals affected with ADAM9-related conditions. ClinVar contains an entry for this variant (Variation ID: 1352200). Algorithms developed to predict the effect of missense changes on protein structure and function (SIFT, PolyPhen-2, Align-GVGD) all suggest that this variant is likely to be disruptive. In summary, the available evidence is currently insufficient to determine the role of this variant in disease. Therefore, it has been classified as a Variant of Uncertain Significance.

Ambry Genetics
Classification: Uncertain significance for Inborn genetic diseases. Last evaluated: 2022-01-31. Review status: criteria provided, single submitter. Criteria: Ambry Variant Classification Scheme 2023. Collection method: clinical testing. Allele origin: germline.